The following is an entry in ClinVar:

ClinVar aggregate classification (germline): Conflicting classifications of pathogenicity. Review status: criteria provided, conflicting classifications (1 of 4 stars). 10 submissions from 10 submitters: Uncertain significance (1); Benign (4); Likely benign (4). 1 of the submissions does not count toward it. Last evaluated 2026-09-01.

Conditions:
Hereditary spastic paraplegia 11. Also called: Nakamura Osame syndrome; Autosomal recessive hereditary spastic paraplegia, mental impairment, and thin corpus callosum; Spastic paraplegia, mental retardation and thin corpus callosum; Spastic Paraplegia 11; SPASTIC PARAPLEGIA, AUTOSOMAL RECESSIVE, COMPLICATED, WITH THIN CORPUS CALLOSUM; SPASTIC PARAPLEGIA, AUTOSOMAL RECESSIVE, WITH MENTAL IMPAIRMENT AND THIN CORPUS CALLOSUM. Identifiers: Orphanet 2822, MedGen C1858479, MONDO:0011445, OMIM 604360.
SPG11-related disorder. Also called: SPG11-related condition.
Hereditary spastic paraplegia. Also called: Familial spastic paraparesis. Identifiers: Orphanet 685, MedGen C0037773, MONDO:0019064. Disease mechanism: loss of function.

Allele frequency attached by ClinVar (database versions not stated): gnomAD 0.00002 and 0.00030; TOPMed 0.00009; 1000 Genomes Project 30x 0.00062; gnomAD exomes 0.00072 and 0.00175; 1000 Genomes Project 0.00080; ExAC 0.00323.
gnomAD v4.1: 1,104 of 1,594,698 alleles (0.069%); highest among the groups gnomAD compares: South Asian, 1.1%; 15 homozygotes.

Submissions (10):

CeGaT Center for Human Genetics Tuebingen
Classification: Benign. Last evaluated: 2026-09-01. Review status: criteria provided, single submitter. Criteria: CeGaT Center For Human Genetics Tuebingen Variant Classification Criteria Version 2. Collection method: clinical testing. Allele origin: germline. Affected: yes. Observed: 7 variant alleles.
Comment: SPG11: BS1, BS2

Labcorp Genetics (formerly Invitae), Labcorp
Classification: Benign for Hereditary spastic paraplegia 11. Last evaluated: 2026-01-28. Review status: criteria provided, single submitter. Criteria: Invitae Variant Classification Sherloc (09022015). Collection method: clinical testing. Allele origin: germline.

PreventionGenetics, part of Exact Sciences
Classification: Benign for SPG11-related condition. Last evaluated: 2025-07-15. Review status: criteria provided, single submitter. Criteria: ACMG Guidelines, 2015. Collection method: clinical testing. Allele origin: germline.
Comment: This variant is classified as benign based on ACMG/AMP sequence variant interpretation guidelines (Richards et al. 2015 PMID: 25741868, with internal and published modifications).

Blueprint Genetics
Classification: Likely benign. Last evaluated: 2024-09-30. Review status: criteria provided, single submitter. Criteria: ACMG Guidelines, 2015. Collection method: clinical testing. Allele origin: germline.

GeneDx
Classification: Likely benign. Last evaluated: 2021-06-14. Review status: criteria provided, single submitter. Criteria: GeneDx Variant Classification Process June 2021. Collection method: clinical testing. Allele origin: germline. Affected: yes.
Comment: See Variant Classification Assertion Criteria.

Genome Diagnostics Laboratory, The Hospital for Sick Children
Classification: Likely benign for Hereditary spastic paraplegia. Last evaluated: 2020-06-01. Review status: criteria provided, single submitter. Criteria: ACMG Guidelines, 2015. Collection method: clinical testing. Allele origin: germline. Affected: yes.

Mayo Clinic Laboratories, Mayo Clinic
Classification: Benign. Last evaluated: 2018-03-01. Review status: criteria provided, single submitter. Criteria: ACMG Guidelines, 2015. Collection method: clinical testing. Allele origin: germline. Observed: 1 variant allele.

Illumina Laboratory Services, Illumina
Classification: Uncertain significance for Hereditary spastic paraplegia 11. Last evaluated: 2017-04-27. Review status: criteria provided, single submitter. Criteria: ICSL Variant Classification Criteria 13 December 2019. Collection method: clinical testing. Allele origin: germline.

Clinical Genetics DNA and cytogenetics Diagnostics Lab, Erasmus MC, Erasmus Medical Center
Classification: Likely benign for Hereditary spastic paraplegia 11. Last evaluated: 2016-03-18. Review status: criteria provided, single submitter. Criteria: ACGS Guidelines, 2013. Collection method: clinical testing. Allele origin: germline. Affected: yes. Study: VKGL Data-share Consensus.

Genome Diagnostics Laboratory, Amsterdam University Medical Center
Classification: Likely benign for Hereditary spastic paraplegia 11. Last evaluated: 2017-08-14. Review status: no assertion criteria provided. Criteria: ACGS Guidelines, 2013. Collection method: clinical testing. Allele origin: germline. Affected: yes. Study: VKGL Data-share Consensus. Not counted in ClinVar's aggregate classification.

NM_025137.4(SPG11):c.176C>T (p.Ala59Val)

Gene: SPG11 (SPG11 vesicle trafficking associated, spatacsin; minus strand). Cytogenetic location: 15q21.1.
Variant type: single nucleotide variant.
Coding change: c.176C>T on transcript NM_025137.4 (MANE Select); coding-DNA position 176, C replaced by T.
Protein change: p.Ala59Val; replaces alanine 59 with valine.
Molecular consequence: missense variant.
Genome position (GRCh38, 1-based): chr15:44,663,472, G>A on the plus strand (C>T on the coding strand, the complement: SPG11 is on the minus strand). VCF-style: chr15-44663472-G-A. GRCh37 (hg19) VCF-style: chr15-44955670-G-A.
Other names: p.Ala59Val; c.176C>T, p.Ala59Val (NM_001160227.2); short protein forms A59V.
Identifiers: ClinVar variation 413998 (VCV000413998.48), dbSNP rs552320263, ClinGen allele CA7535932.
Genomic context (GRCh38, chr15:44,663,472, plus strand): 5'-CAGCAGCGACCCCCGCCCCGGCTGCCAGGCGTCAAAGAAAGCACTTGGAGGCTGCCCGCA[G>A]CCGTCAGGCTCCCCAGAGCCTCCGGCTGTGTGCGCAGCTGCGCCCGGGAGCCGAGCTGCC-3'
Protein context (NP_079413.3, residues 49-69): TQPEALGSLT[Ala59Val]AGSLQVLSLT